The following is an entry in ClinVar:

NM_001378120.1(MBD5):c.4714G>C (p.Asp1572His)

Gene: MBD5 (methyl-CpG binding domain protein 5; plus strand). Cytogenetic location: 2q23.1.
Variant type: single nucleotide variant.
Coding change: c.4714G>C on transcript NM_001378120.1 (MANE Select); coding-DNA position 4714, G replaced by C.
Protein change: p.Asp1572His; replaces aspartic acid 1572 with histidine.
Molecular consequence: missense variant.
Genome position (GRCh38, 1-based): chr2:148,490,346, G>C. VCF-style: chr2-148490346-G-C. GRCh37 (hg19) VCF-style: chr2-149247915-G-C.
Other names: c.4015G>C, p.Asp1339His (NM_018328.5); short protein forms D1339H, D1572H.
Identifiers: ClinVar variation 3365801 (VCV003365801.2).

ClinVar aggregate classification (germline): Uncertain significance. Review status: criteria provided, multiple submitters, no conflicts (2 of 4 stars). 2 submissions from 2 submitters: Uncertain significance (2). Last evaluated 2026-01-14.

Conditions:
Inborn genetic diseases. Identifiers: MedGen C0950123, MeSH D030342.

gnomAD v4.1: 2 of 1,614,054 alleles (0.00012%); highest among the groups gnomAD compares: African/African-American, 0.0027%; no homozygotes.

Submissions (2):

Ambry Genetics
Classification: Uncertain significance for Inborn genetic diseases. Last evaluated: 2026-01-14. Review status: criteria provided, single submitter. Criteria: Ambry Variant Classification Scheme 2023. Collection method: clinical testing. Allele origin: germline.
Comment: The c.4015G>C (p.D1339H) alteration is located in exon 12 (coding exon 7) of the MBD5 gene. This alteration results from a G to C substitution at nucleotide position 4015, causing the aspartic acid (D) at amino acid position 1339 to be replaced by a histidine (H). Based on data from gnomAD, the C allele has an overall frequency of <0.001% (1/251418) total alleles studied. The highest observed frequency was 0.006% (1/16254) of African alleles. Based on insufficient or conflicting evidence, the clinical significance of this alteration remains unclear.

GeneDx
Classification: Uncertain significance. Last evaluated: 2023-12-14. Review status: criteria provided, single submitter. Criteria: GeneDx Variant Classification Process June 2021. Collection method: clinical testing. Allele origin: germline. Affected: yes.
Comment: Not observed at significant frequency in large population cohorts (gnomAD); In silico analysis supports that this missense variant does not alter protein structure/function; Has not been previously published as pathogenic or benign to our knowledge